The following is an entry in ClinVar:

NM_002230.4(JUP):c.1625T>C (p.Val542Ala)

Gene: JUP (junction plakoglobin; minus strand). Cytogenetic location: 17q21.2.
Variant type: single nucleotide variant.
Coding change: c.1625T>C on transcript NM_002230.4 (MANE Select); coding-DNA position 1625, T replaced by C.
Protein change: p.Val542Ala; replaces valine 542 with alanine.
Molecular consequence: missense variant.
Genome position (GRCh38, 1-based): chr17:41,758,743, A>G on the plus strand (T>C on the coding strand, the complement: JUP is on the minus strand). VCF-style: chr17-41758743-A-G. GRCh37 (hg19) VCF-style: chr17-39914995-A-G.
Other names: c.1625T>C, p.Val542Ala (NM_001352773.2, NM_001352774.2, NM_001352775.2 and 3 more transcripts); short protein forms V542A.
Identifiers: ClinVar variation 1525579 (VCV001525579.6), dbSNP rs2143457194, ClinGen allele CA399493573.

ClinVar aggregate classification (germline): Uncertain significance (1 of 4 stars; one submission).

Conditions:
Arrhythmogenic right ventricular dysplasia 12. Also called: ARRHYTHMOGENIC RIGHT VENTRICULAR DYSPLASIA, FAMILIAL, 12. Identifiers: MedGen C1969081, MONDO:0012684, OMIM 611528.
Naxos disease (NXD). Also called: PALMOPLANTAR KERATODERMA WITH ARRHYTHMOGENIC RIGHT VENTRICULAR CARDIOMYOPATHY AND WOOLLY HAIR; KERATOSIS PALMOPLANTARIS WITH ARRHYTHMOGENIC CARDIOMYOPATHY; MAL DE NAXOS; WOOLLY HAIR, PALMOPLANTAR KERATODERMA, AND CARDIAC ABNORMALITIES; CARDIOMYOPATHY, ARRHYTHMOGENIC RIGHT VENTRICULAR, WITH SKIN, HAIR, AND NAIL ABNORMALITIES. Identifiers: Orphanet 34217, MedGen C1832600, MONDO:0011017, OMIM 601214.

Submission:

Labcorp Genetics (formerly Invitae), Labcorp
Classification: Uncertain significance for Arrhythmogenic right ventricular dysplasia 12; Naxos disease. Last evaluated: 2022-10-23. Review status: criteria provided, single submitter. Criteria: Invitae Variant Classification Sherloc (09022015). Collection method: clinical testing. Allele origin: germline.
Comment: This sequence change replaces valine, which is neutral and non-polar, with alanine, which is neutral and non-polar, at codon 542 of the JUP protein (p.Val542Ala). This variant is not present in population databases (gnomAD no frequency). This variant has not been reported in the literature in individuals affected with JUP-related conditions. ClinVar contains an entry for this variant (Variation ID: 1525579). Algorithms developed to predict the effect of missense changes on protein structure and function (SIFT, PolyPhen-2, Align-GVGD) all suggest that this variant is likely to be tolerated. In summary, the available evidence is currently insufficient to determine the role of this variant in disease. Therefore, it has been classified as a Variant of Uncertain Significance.